The following is an entry in ClinVar:

NM_000023.4(SGCA):c.28C>T (p.Leu10Phe)

Gene: SGCA (sarcoglycan alpha; plus strand). Cytogenetic location: 17q21.33.
Variant type: single nucleotide variant.
Coding change: c.28C>T on transcript NM_000023.4 (MANE Select); coding-DNA position 28, C replaced by T.
Protein change: p.Leu10Phe; replaces leucine 10 with phenylalanine.
Molecular consequence: missense variant. On other transcripts: non-coding transcript variant (1).
Genome position (GRCh38, 1-based): chr17:50,166,068, C>T. VCF-style: chr17-50166068-C-T. GRCh37 (hg19) VCF-style: chr17-48243429-C-T.
Other names: c.28C>T, p.Leu10Phe (NM_001135697.3); short protein forms L10F.
Identifiers: ClinVar variation 2196470 (VCV002196470.3), dbSNP rs1904771955, ClinGen allele CA400210713.
Genomic context (GRCh38, chr17:50,166,068, plus strand): 5'-TGTCACTCACCGGGCGGGCCAGGCCGGGCAGCCATGGCTGAGACACTCTTCTGGACTCCT[C>T]TCCTCGTGGGCAAGTTGGGGCCTTGTTCAGCGGGGAGGCCCAGGATGAGGGGGCAGGATT-3'
Protein context (NP_000014.1, residues 1-20): MAETLFWTP[Leu10Phe]LVVLLAGLGD

ClinVar aggregate classification (germline): Uncertain significance. Review status: criteria provided, multiple submitters, no conflicts (2 of 4 stars). 2 submissions from 2 submitters: Uncertain significance (2). Last evaluated 2023-06-01.

Conditions:
Autosomal recessive limb-girdle muscular dystrophy type 2D (LGMDR3). Also called: ADHALINOPATHY, PRIMARY; DUCHENNE-LIKE AUTOSOMAL RECESSIVE MUSCULAR DYSTROPHY, TYPE 2; MUSCULAR DYSTROPHY, LIMB-GIRDLE, AUTOSOMAL RECESSIVE 3. Identifiers: Orphanet 62, MedGen C2936332, MONDO:0011968, OMIM 608099. Disease mechanism: Affects gamma-sarcoglycan and also disrupts the integrity of the entire sarcoglycan complex..

Allele frequency attached by ClinVar (database versions not stated): gnomAD 0.00001; gnomAD exomes 0.00001.
gnomAD v4.1: 22 of 1,613,572 alleles (0.0014%); highest among the groups gnomAD compares: Non-Finnish European, 0.0019%; no homozygotes.

Submissions (2):

Revvity Omics, Revvity
Classification: Uncertain significance for Autosomal recessive limb-girdle muscular dystrophy type 2D. Last evaluated: 2023-06-01. Review status: criteria provided, single submitter. Criteria: ACMG Guidelines, 2015. Collection method: clinical testing. Allele origin: germline.

Labcorp Genetics (formerly Invitae), Labcorp
Classification: Uncertain significance for Autosomal recessive limb-girdle muscular dystrophy type 2D. Last evaluated: 2022-05-29. Review status: criteria provided, single submitter. Criteria: Invitae Variant Classification Sherloc (09022015). Collection method: clinical testing. Allele origin: germline.
Comment: This sequence change replaces leucine, which is neutral and non-polar, with phenylalanine, which is neutral and non-polar, at codon 10 of the SGCA protein (p.Leu10Phe). This variant is not present in population databases (gnomAD no frequency). This variant has not been reported in the literature in individuals affected with SGCA-related conditions. Advanced modeling of protein sequence and biophysical properties (such as structural, functional, and spatial information, amino acid conservation, physicochemical variation, residue mobility, and thermodynamic stability) performed at Invitae indicates that this missense variant is not expected to disrupt SGCA protein function. In summary, the available evidence is currently insufficient to determine the role of this variant in disease. Therefore, it has been classified as a Variant of Uncertain Significance.